The following is an entry in ClinVar:

ClinVar aggregate classification (germline): Uncertain significance. Review status: criteria provided, multiple submitters, no conflicts (2 of 4 stars). 2 submissions from 2 submitters: Uncertain significance (2). Last evaluated 2024-11-27.

Conditions:
Juvenile polyposis syndrome (JPS). Identifiers: Orphanet 2929, MedGen C0345893, MONDO:0017380, OMIM 174900.
Hereditary cancer-predisposing syndrome. Also called: Neoplastic Syndromes, Hereditary; Hereditary neoplastic syndrome; Hereditary Cancer Syndrome; Tumor predisposition. Identifiers: Orphanet 140162, MedGen C0027672, MeSH D009386, MONDO:0015356.

Allele frequency attached by ClinVar (database versions not stated): gnomAD exomes below 0.00001.
gnomAD v4.1: 1 of 1,614,240 alleles (0.000062%); highest among the groups gnomAD compares: Non-Finnish European, 0.000085%; no homozygotes.

Submissions (2):

Ambry Genetics
Classification: Uncertain significance for Hereditary cancer-predisposing syndrome. Last evaluated: 2024-11-27. Review status: criteria provided, single submitter. Criteria: Ambry Variant Classification Scheme 2023. Collection method: clinical testing. Allele origin: germline.
Comment: The p.M440T variant (also known as c.1319T>C), located in coding exon 9 of the BMPR1A gene, results from a T to C substitution at nucleotide position 1319. The methionine at codon 440 is replaced by threonine, an amino acid with similar properties. This amino acid position is highly conserved in available vertebrate species. In addition, this alteration is predicted to be deleterious by in silico analysis. Based on the available evidence, the clinical significance of this variant remains unclear.

Labcorp Genetics (formerly Invitae), Labcorp
Classification: Uncertain significance for Juvenile polyposis syndrome. Last evaluated: 2020-10-07. Review status: criteria provided, single submitter. Criteria: Invitae Variant Classification Sherloc (09022015). Collection method: clinical testing. Allele origin: germline.
Comment: This sequence change replaces methionine with threonine at codon 440 of the BMPR1A protein (p.Met440Thr). The methionine residue is highly conserved and there is a moderate physicochemical difference between methionine and threonine. This variant is not present in population databases (ExAC no frequency). This variant has not been reported in the literature in individuals with BMPR1A-related conditions. Advanced modeling of protein sequence and biophysical properties (such as structural, functional, and spatial information, amino acid conservation, physicochemical variation, residue mobility, and thermodynamic stability) performed at Invitae indicates that this missense variant is expected to disrupt BMPR1A protein function. In summary, the available evidence is currently insufficient to determine the role of this variant in disease. Therefore, it has been classified as a Variant of Uncertain Significance.

NM_004329.3(BMPR1A):c.1319T>C (p.Met440Thr)

Gene: BMPR1A (bone morphogenetic protein receptor type 1A; plus strand). Cytogenetic location: 10q23.2.
Variant type: single nucleotide variant.
Coding change: c.1319T>C on transcript NM_004329.3 (MANE Select); coding-DNA position 1319, T replaced by C.
Protein change: p.Met440Thr; replaces methionine 440 with threonine.
Molecular consequence: missense variant.
Genome position (GRCh38, 1-based): chr10:86,921,672, T>C. VCF-style: chr10-86921672-T-C. GRCh37 (hg19) VCF-style: chr10-88681429-T-C.
Other names: short protein forms M440T.
Identifiers: ClinVar variation 999889 (VCV000999889.12), dbSNP rs1843667822, ClinGen allele CA377462395.